The following is an entry in ClinVar:

ClinVar aggregate classification (germline): Uncertain significance (1 of 4 stars; one submission).

Conditions:
Loeys-Dietz syndrome 2 (LDS2). Also called: Marfan syndrome, type 2 (formerly); Marfan Syndrome type 2; Marfan like connective tissue disorder; MFS 2; TGFBR2-Related Loeys-Dietz Syndrome; AORTIC ANEURYSM, FAMILIAL THORACIC 3. Identifiers: Orphanet 284973, Orphanet 558, MedGen C2674574, MONDO:0012427, OMIM 610168.

Submission:

Labcorp Genetics (formerly Invitae), Labcorp
Classification: Uncertain significance for Loeys-Dietz syndrome 2. Last evaluated: 2025-10-01. Review status: criteria provided, single submitter. Criteria: Invitae Variant Classification Sherloc (09022015). Collection method: clinical testing. Allele origin: germline.
Comment: This sequence change creates a premature translational stop signal (p.Lys192Asnfs*5) in the TMPO gene. While this is not anticipated to result in nonsense mediated decay, it is expected to disrupt the last 503 amino acid(s) of the TMPO protein. This variant is present in population databases (rs747695132, gnomAD 0.008%). This variant has not been reported in the literature in individuals affected with TMPO-related conditions. ClinVar contains an entry for this variant (Variation ID: 1411579). Experimental studies and prediction algorithms are not available or were not evaluated, and the functional significance of this variant is currently unknown. In summary, the available evidence is currently insufficient to determine the role of this variant in disease. Therefore, it has been classified as a Variant of Uncertain Significance.

NM_001032283.3(TMPO):c.565+995_565+998del

Gene: TMPO (thymopoietin; plus strand). Cytogenetic location: 12q23.1.
Variant type: Microsatellite.
Coding change: c.565+995_565+998del on transcript NM_001032283.3 (MANE Select); bases 995 to 998 of the intron after coding-DNA position 565, 4 bases deleted (AGAA; older notation c.565+995_565+998delAGAA).
Molecular consequence: intron variant. On other transcripts: frameshift variant (1).
Genome position (GRCh38, 1-based): chr12:98,532,833-98,532,836, AGAA deleted; deleting any 4 consecutive bases within chr12:98,532,828-98,532,836 gives the same sequence; the c. name uses the placement nearest the transcript's 3' end. VCF-style (leftmost placement, unchanged base first): chr12-98532827-GAAGA-G. GRCh37 (hg19) VCF-style: chr12-98926605-GAAGA-G.
Other names: c.576_579del, p.Lys192fs (NM_003276.2); c.565+995_565+998del (NM_001307975.2, NM_001032284.3); short protein forms K192fs.
Identifiers: ClinVar variation 1411579 (VCV001411579.8), dbSNP rs747695132, ClinGen allele CA6732249.